The following is an entry in ClinVar:

NM_000135.4(FANCA):c.3041A>G (p.Asn1014Ser)

Gene: FANCA (FA complementation group A; minus strand). Cytogenetic location: 16q24.3.
Variant type: single nucleotide variant.
Coding change: c.3041A>G on transcript NM_000135.4 (MANE Select); coding-DNA position 3041, A replaced by G.
Protein change: p.Asn1014Ser; replaces asparagine 1014 with serine.
Molecular consequence: missense variant.
Genome position (GRCh38, 1-based): chr16:89,752,163, T>C on the plus strand (A>G on the coding strand, the complement: FANCA is on the minus strand). VCF-style: chr16-89752163-T-C. GRCh37 (hg19) VCF-style: chr16-89818571-T-C.
Other names: c.3041A>G, p.Asn1014Ser (NM_001286167.3); short protein forms N1014S.
Identifiers: ClinVar variation 4619252 (VCV004619252.1).

ClinVar aggregate classification (germline): Uncertain significance (1 of 4 stars; one submission).

Conditions:
Inborn genetic diseases. Identifiers: MedGen C0950123, MeSH D030342.

gnomAD v4.1: 2 of 1,614,170 alleles (0.00012%); highest among the groups gnomAD compares: Admixed American, 0.0017%; no homozygotes.

Submission:

Ambry Genetics
Classification: Uncertain significance for Inborn genetic diseases. Last evaluated: 2025-11-05. Review status: criteria provided, single submitter. Criteria: Ambry Variant Classification Scheme 2023. Collection method: clinical testing. Allele origin: germline.
Comment: The p.N1014S variant (also known as c.3041A>G), located in coding exon 31 of the FANCA gene, results from an A to G substitution at nucleotide position 3041. The asparagine at codon 1014 is replaced by serine, an amino acid with highly similar properties. This amino acid position is conserved. In addition, this alteration is predicted to be tolerated by in silico analysis. Based on the available evidence, the clinical significance of this variant remains unclear.